The following is an entry in ClinVar:

ClinVar aggregate classification (germline): Uncertain significance (1 of 4 stars; one submission).

Allele frequency attached by ClinVar (database versions not stated): gnomAD exomes below 0.00001; ExAC 0.00001; TOPMed 0.00001.
gnomAD v4.1: 2 of 1,614,002 alleles (0.00012%); highest among the groups gnomAD compares: Non-Finnish European, 0.00017%; no homozygotes.

Submission:

Labcorp Genetics (formerly Invitae), Labcorp
Classification: Uncertain significance. Last evaluated: 2023-10-03. Review status: criteria provided, single submitter. Criteria: Invitae Variant Classification Sherloc (09022015). Collection method: clinical testing. Allele origin: germline.
Comment: This sequence change replaces cysteine, which is neutral and slightly polar, with arginine, which is basic and polar, at codon 954 of the CSF1R protein (p.Cys954Arg). This variant is present in population databases (rs766007425, gnomAD 0.0009%). This variant has not been reported in the literature in individuals affected with CSF1R-related conditions. Advanced modeling of protein sequence and biophysical properties (such as structural, functional, and spatial information, amino acid conservation, physicochemical variation, residue mobility, and thermodynamic stability) performed at Invitae indicates that this missense variant is not expected to disrupt CSF1R protein function. In summary, the available evidence is currently insufficient to determine the role of this variant in disease. Therefore, it has been classified as a Variant of Uncertain Significance.

NM_001288705.3(CSF1R):c.2860T>C (p.Cys954Arg)

Gene: CSF1R (colony stimulating factor 1 receptor; minus strand). Cytogenetic location: 5q32.
Variant type: single nucleotide variant.
Coding change: c.2860T>C on transcript NM_001288705.3 (MANE Select); coding-DNA position 2860, T replaced by C.
Protein change: p.Cys954Arg; replaces cysteine 954 with arginine.
Molecular consequence: missense variant. On other transcripts: non-coding transcript variant (2).
Genome position (GRCh38, 1-based): chr5:150,054,128, A>G on the plus strand (T>C on the coding strand, the complement: CSF1R is on the minus strand). VCF-style: chr5-150054128-A-G. GRCh37 (hg19) VCF-style: chr5-149433691-A-G.
Other names: c.2860T>C, p.Cys954Arg (NM_001375320.1, NM_005211.4, NM_001349736.2); c.2416T>C, p.Cys806Arg (NM_001375321.1); short protein forms C806R, C954R.
Identifiers: ClinVar variation 2967998 (VCV002967998.3), dbSNP rs766007425, ClinGen allele CA3506295.